The following is an entry in ClinVar:

ClinVar aggregate classification (germline): Likely pathogenic (1 of 4 stars; one submission).

gnomAD v4.1: 29 of 1,566,306 alleles (0.0019%); highest among the groups gnomAD compares: African/African-American, 0.0027%; no homozygotes.

Submission:

Labcorp Genetics (formerly Invitae), Labcorp
Classification: Likely pathogenic. Last evaluated: 2025-05-01. Review status: criteria provided, single submitter. Criteria: Invitae Variant Classification Sherloc (09022015). Collection method: clinical testing. Allele origin: germline.
Comment: This sequence change affects a donor splice site in intron 32 of the MYH14 gene. It is expected to disrupt RNA splicing. Variants that disrupt the donor or acceptor splice site typically lead to a loss of protein function (PMID: 16199547), and loss-of-function variants in MYH14 are known to be pathogenic (PMID: 15015131, 28221712). This variant is not present in population databases (gnomAD no frequency). This variant has not been reported in the literature in individuals affected with MYH14-related conditions. Algorithms developed to predict the effect of sequence changes on RNA splicing suggest that this variant may disrupt the consensus splice site. In summary, the currently available evidence indicates that the variant is pathogenic, but additional data are needed to prove that conclusively. Therefore, this variant has been classified as Likely Pathogenic.

Literature cited by the submitters: PubMed 16199547; PubMed 15015131; PubMed 28221712.

NM_001145809.2(MYH14):c.4752+1G>A

Gene: MYH14 (myosin heavy chain 14; plus strand). Cytogenetic location: 19q13.33.
Variant type: single nucleotide variant.
Coding change: c.4752+1G>A on transcript NM_001145809.2 (MANE Select); the canonical splice donor site of the intron after coding-DNA position 4752, G replaced by A.
Molecular consequence: splice donor variant.
Genome position (GRCh38, 1-based): chr19:50,286,695, G>A. VCF-style: chr19-50286695-G-A. GRCh37 (hg19) VCF-style: chr19-50789952-G-A.
Other names: c.4653+1G>A (NM_001077186.2); c.4629+1G>A (NM_024729.4).
Identifiers: ClinVar variation 4739060 (VCV004739060.1).